The following is an entry in ClinVar:

ClinVar aggregate classification (germline): Uncertain significance (1 of 4 stars; one submission).

Conditions:
Primary ciliary dyskinesia. Also called: Ciliary dyskinesia. Identifiers: Orphanet 244, MedGen C0008780, MONDO:0016575, HP:0012265.

Submission:

Labcorp Genetics (formerly Invitae), Labcorp
Classification: Uncertain significance for Primary ciliary dyskinesia. Last evaluated: 2016-08-11. Review status: criteria provided, single submitter. Criteria: Invitae Variant Classification Sherloc (09022015). Collection method: clinical testing. Allele origin: germline.
Comment: This sequence change replaces proline with leucine at codon 563 of the DNAAF3 protein (p.Pro563Leu). The proline residue is moderately conserved and there is a moderate physicochemical difference between proline and leucine. This variant is not present in population databases (ExAC no frequency) and has not been reported in the literature in individuals with a DNAAF3-related disease. Algorithms developed to predict the effect of missense changes on protein structure and function do not agree on the potential impact of this missense change (SIFT: "Deleterious"; PolyPhen-2: "Possibly Damaging"; Align-GVGD: "Class C0"). In summary, this variant is a novel missense change with uncertain impact on protein function. It has been classified as a Variant of Uncertain Significance.

NM_001256715.2(DNAAF3):c.1487C>T (p.Pro496Leu)

Gene: DNAAF3 (dynein axonemal assembly factor 3; minus strand). Cytogenetic location: 19q13.42.
Variant type: single nucleotide variant.
Coding change: c.1487C>T on transcript NM_001256715.2 (MANE Select); coding-DNA position 1487, C replaced by T.
Protein change: p.Pro496Leu; replaces proline 496 with leucine.
Molecular consequence: missense variant.
Genome position (GRCh38, 1-based): chr19:55,159,201, G>A on the plus strand (C>T on the coding strand, the complement: DNAAF3 is on the minus strand). VCF-style: chr19-55159201-G-A. GRCh37 (hg19) VCF-style: chr19-55670569-G-A.
Other names: c.1325C>T, p.Pro442Leu (NM_001256716.2); c.1628C>T, p.Pro543Leu (NM_178837.4); c.1688C>T, p.Pro563Leu (NM_001256714.1); short protein forms P543L, P563L, P442L, P496L.
Identifiers: ClinVar variation 410285 (VCV000410285.17), dbSNP rs757426979, ClinGen allele CA16616190.